The following is an entry in ClinVar:

NM_001365951.3(KIF1B):c.5405T>A (p.Ile1802Lys)

Gene: KIF1B (kinesin family member 1B; plus strand). Cytogenetic location: 1p36.22.
Variant type: single nucleotide variant.
Coding change: c.5405T>A on transcript NM_001365951.3 (MANE Select); coding-DNA position 5405, T replaced by A.
Protein change: p.Ile1802Lys; replaces isoleucine 1802 with lysine.
Molecular consequence: missense variant.
Genome position (GRCh38, 1-based): chr1:10,375,370, T>A. VCF-style: chr1-10375370-T-A. GRCh37 (hg19) VCF-style: chr1-10435428-T-A.
Other names: c.5405T>A, p.Ile1802Lys (NM_001365952.1); c.5267T>A, p.Ile1756Lys (NM_015074.3); short protein forms I1802K, I1756K.
Identifiers: ClinVar variation 4826085 (VCV004826085.1).

ClinVar aggregate classification (germline): Uncertain significance (1 of 4 stars; one submission).

Submission:

Ambry Genetics
Classification: Uncertain significance. Last evaluated: 2026-02-24. Review status: criteria provided, single submitter. Criteria: Ambry Variant Classification Scheme 2023. Collection method: clinical testing. Allele origin: germline.
Comment: The p.I1756K variant (also known as c.5267T>A), located in coding exon 45 of the KIF1B gene, results from a T to A substitution at nucleotide position 5267. The isoleucine at codon 1756 is replaced by lysine, an amino acid with dissimilar properties. This amino acid position is conserved. In addition, this alteration is predicted to be deleterious by in silico analysis. Based on the available evidence, the clinical significance of this variant remains unclear.